The following is an entry in ClinVar:

ClinVar aggregate classification (germline): Uncertain significance (1 of 4 stars; one submission).

Submission:

GeneDx
Classification: Uncertain significance. Last evaluated: 2020-01-02. Review status: criteria provided, single submitter. Criteria: GeneDx Variant Classification Process June 2021. Collection method: clinical testing. Allele origin: germline. Affected: yes.
Comment: Not observed in large population cohorts (Lek et al., 2016); In silico analysis, which includes protein predictors and evolutionary conservation, supports a deleterious effect; Has not been previously published as pathogenic or benign to our knowledge

NM_001291415.2(KDM6A):c.3012C>G (p.Phe1004Leu)

Gene: KDM6A (lysine demethylase 6A; plus strand). Cytogenetic location: Xp11.3.
Variant type: single nucleotide variant.
Coding change: c.3012C>G on transcript NM_001291415.2 (MANE Select); coding-DNA position 3012, C replaced by G.
Protein change: p.Phe1004Leu; replaces phenylalanine 1004 with leucine.
Molecular consequence: missense variant. On other transcripts: non-coding transcript variant (1).
Genome position (GRCh38, 1-based): chrX:45,078,423, C>G. VCF-style: chrX-45078423-C-G. GRCh37 (hg19) VCF-style: chrX-44937668-C-G.
Other names: c.2877C>G, p.Phe959Leu (NM_001291416.2); c.2721C>G, p.Phe907Leu (NM_001291417.2); c.2619C>G, p.Phe873Leu (NM_001291418.2); c.1968C>G, p.Phe656Leu (NM_001291421.2); c.2856C>G, p.Phe952Leu (NM_021140.4); short protein forms F1004L, F656L, F873L, F907L, F952L, F959L.
Identifiers: ClinVar variation 1311788 (VCV001311788.2), dbSNP rs767666350, ClinGen allele CA412799441.